The following is an entry in ClinVar:

ClinVar aggregate classification (germline): Uncertain significance (1 of 4 stars; one submission).

Allele frequency attached by ClinVar (database versions not stated): gnomAD exomes below 0.00001; ExAC 0.00003; gnomAD 0.00003; TOPMed 0.00005; ESP Exome Variant Server 0.00015.
gnomAD v4.1: 11 of 1,614,108 alleles (0.00068%); highest among the groups gnomAD compares: African/African-American, 0.0093%; no homozygotes.

Submission:

Labcorp Genetics (formerly Invitae), Labcorp
Classification: Uncertain significance. Last evaluated: 2025-09-24. Review status: criteria provided, single submitter. Criteria: Invitae Variant Classification Sherloc (09022015). Collection method: clinical testing. Allele origin: germline.
Comment: This sequence change replaces asparagine, which is neutral and polar, with serine, which is neutral and polar, at codon 549 of the DUOX2 protein (p.Asn549Ser). This variant is present in population databases (rs368379567, gnomAD 0.02%). This variant has not been reported in the literature in individuals affected with DUOX2-related conditions. ClinVar contains an entry for this variant (Variation ID: 2169286). Invitae Evidence Modeling of protein sequence and biophysical properties (such as structural, functional, and spatial information, amino acid conservation, physicochemical variation, residue mobility, and thermodynamic stability) indicates that this missense variant is not expected to disrupt DUOX2 protein function with a negative predictive value of 80%. In summary, the available evidence is currently insufficient to determine the role of this variant in disease. Therefore, it has been classified as a Variant of Uncertain Significance.

NM_001363711.2(DUOX2):c.1646A>G (p.Asn549Ser)

Gene: DUOX2 (dual oxidase 2; minus strand). Cytogenetic location: 15q21.1.
Variant type: single nucleotide variant.
Coding change: c.1646A>G on transcript NM_001363711.2 (MANE Select); coding-DNA position 1646, A replaced by G.
Protein change: p.Asn549Ser; replaces asparagine 549 with serine.
Molecular consequence: missense variant.
Genome position (GRCh38, 1-based): chr15:45,107,392, T>C on the plus strand (A>G on the coding strand, the complement: DUOX2 is on the minus strand). VCF-style: chr15-45107392-T-C. GRCh37 (hg19) VCF-style: chr15-45399590-T-C.
Other names: c.1646A>G, p.Asn549Ser (NM_014080.5); short protein forms N549S.
Identifiers: ClinVar variation 2169286 (VCV002169286.4), dbSNP rs368379567, ClinGen allele CA7538537.